The following is an entry in ClinVar:

NM_000057.4(BLM):c.2662+3G>A

Gene: BLM (BLM RecQ like helicase; plus strand). Cytogenetic location: 15q26.1.
Variant type: single nucleotide variant.
Coding change: c.2662+3G>A on transcript NM_000057.4 (MANE Select); 3 bases into the intron after coding-DNA position 2662, G replaced by A.
Molecular consequence: intron variant.
Genome position (GRCh38, 1-based): chr15:90,782,931, G>A. VCF-style: chr15-90782931-G-A. GRCh37 (hg19) VCF-style: chr15-91326161-G-A.
Other names: c.2662+3G>A (NM_000057.3, NM_001287246.2, NM_001287247.2); c.1537+3G>A (NM_001287248.2).
Identifiers: ClinVar variation 1054200 (VCV001054200.8), dbSNP rs1297020716, ClinGen allele CA1139770977.
Genomic context (GRCh38, chr15:90,782,931, plus strand): 5'-AAAAAGCCTAAAAAGGTGGCATTTGATTGCCTAGAATGGATCAGAAAGCACCACCCATGT[G>A]AGTACAGCCATGTGATTAGCTGTCTAGAAGTAACAAATGTCTTTTTAGTACCACAATAAG-3'

ClinVar aggregate classification (germline): Uncertain significance. Review status: criteria provided, single submitter (1 of 4 stars). 2 submissions from 2 submitters: Uncertain significance (1). 1 of the submissions does not count toward it. Last evaluated 2020-02-27.

Conditions:
Bloom syndrome (BLM). Also called: Bloom-Torre-Machacek syndrome. Identifiers: Orphanet 125, MedGen C0005859, MONDO:0008876, OMIM 210900.

Submissions (2):

Labcorp Genetics (formerly Invitae), Labcorp
Classification: Uncertain significance for Bloom syndrome. Last evaluated: 2020-02-27. Review status: criteria provided, single submitter. Criteria: Invitae Variant Classification Sherloc (09022015). Collection method: clinical testing. Allele origin: germline.
Comment: This sequence change falls in intron 13 of the BLM gene. It does not directly change the encoded amino acid sequence of the BLM protein, but it affects a nucleotide within the consensus splice site of the intron. This variant is not present in population databases (ExAC no frequency). This variant has not been reported in the literature in individuals with BLM-related conditions. Nucleotide substitutions within the consensus splice site are a relatively common cause of aberrant splicing (PMID: 17576681, 9536098). Algorithms developed to predict the effect of sequence changes on RNA splicing suggest that this variant is not likely to affect RNA splicing, but this prediction has not been confirmed by published transcriptional studies. In summary, the available evidence is currently insufficient to determine the role of this variant in disease. Therefore, it has been classified as a Variant of Uncertain Significance.

Natera, Inc.
Classification: Uncertain significance for Bloom syndrome. Last evaluated: 2025-02-11. Review status: no assertion criteria provided. Collection method: clinical testing. Allele origin: germline. Not counted in ClinVar's aggregate classification.

Literature cited by the submitters: PubMed 17576681 (cited by Labcorp Genetics (formerly Invitae), Labcorp); PubMed 9536098 (cited by Labcorp Genetics (formerly Invitae), Labcorp).